The following is an entry in ClinVar:

ClinVar aggregate classification (germline): Likely pathogenic (1 of 4 stars; one submission).

Conditions:
Immunodeficiency 95 (IMD95). Identifiers: MedGen C5676929, MONDO:0030692, OMIM 619773.

Submission:

3billion
Classification: Likely pathogenic for Immunodeficiency 95. Last evaluated: 2022-05-22. Review status: criteria provided, single submitter. Criteria: ACMG Guidelines, 2015. Collection method: clinical testing. Allele origin: germline. Affected: yes. Observed: 1 heterozygote.
Comment: The variant is not observed in the gnomAD v2.1.1 dataset. Stop-gained (nonsense): predicted to result in a loss or disruption of normal protein function through nonsense-mediated decay (NMD) or protein truncation. Multiple pathogenic variants are reported downstream of the variant. Therefore, this variant is classified as likely pathogenic according to the recommendation of ACMG/AMP guideline.

NM_022168.4(IFIH1):c.317C>A (p.Ser106Ter)

Gene: IFIH1 (interferon induced with helicase C domain 1; minus strand). Cytogenetic location: 2q24.2.
Variant type: single nucleotide variant.
Coding change: c.317C>A on transcript NM_022168.4 (MANE Select); coding-DNA position 317, C replaced by A.
Protein change: p.Ser106Ter; replaces serine 106 with a stop codon.
Molecular consequence: nonsense.
Genome position (GRCh38, 1-based): chr2:162,317,991, G>T on the plus strand (C>A on the coding strand, the complement: IFIH1 is on the minus strand). VCF-style: chr2-162317991-G-T. GRCh37 (hg19) VCF-style: chr2-163174501-G-T.
Other names: short protein forms S106*.
Identifiers: ClinVar variation 1687394 (VCV001687394.1), dbSNP rs764380346, ClinGen allele CA349013628.